The following is an entry in ClinVar:

ClinVar aggregate classification (germline): Conflicting classifications of pathogenicity. Review status: criteria provided, conflicting classifications (1 of 4 stars). 6 submissions from 6 submitters: Uncertain significance (5); Likely benign (1). Last evaluated 2026-01-10.

Conditions:
SMARCA4-related disorder. Also called: SMARCA4-related condition.
Hereditary cancer-predisposing syndrome. Also called: Neoplastic Syndromes, Hereditary; Hereditary neoplastic syndrome; Hereditary Cancer Syndrome; Tumor predisposition. Identifiers: Orphanet 140162, MedGen C0027672, MeSH D009386, MONDO:0015356.
Intellectual disability, autosomal dominant 16 (CSS4). Also called: COFFIN-SIRIS SYNDROME 4. Identifiers: Orphanet 1465, MedGen C3553249, MONDO:0013821, OMIM 614609.
Rhabdoid tumor predisposition syndrome 2 (RTPS2). Identifiers: Orphanet 231108, Orphanet 69077, MedGen C2750074, MONDO:0013224, OMIM 613325.

Allele frequency attached by ClinVar (database versions not stated): gnomAD 0.00007 and 0.00006; ESP Exome Variant Server 0.00015; gnomAD exomes 0.00002 and 0.00003; ExAC 0.00003; TOPMed 0.00005.
gnomAD v4.1: 34 of 1,611,920 alleles (0.0021%); highest among the groups gnomAD compares: African/African-American, 0.015%; no homozygotes.

Submissions (6):

Labcorp Genetics (formerly Invitae), Labcorp
Classification: Uncertain significance for Rhabdoid tumor predisposition syndrome 2. Last evaluated: 2026-01-10. Review status: criteria provided, single submitter. Criteria: Invitae Variant Classification Sherloc (09022015). Collection method: clinical testing. Allele origin: germline.
Comment: This sequence change replaces serine, which is neutral and polar, with leucine, which is neutral and non-polar, at codon 266 of the SMARCA4 protein (p.Ser266Leu). This variant is present in population databases (rs371045201, gnomAD 0.02%). This missense change has been observed in individual(s) with breast cancer (PMID: 39126233). ClinVar contains an entry for this variant (Variation ID: 238521). An algorithm developed to predict the effect of missense changes on protein structure and function (PolyPhen-2) suggests that this variant is likely to be tolerated. In summary, the available evidence is currently insufficient to determine the role of this variant in disease. Therefore, it has been classified as a Variant of Uncertain Significance.

PreventionGenetics, part of Exact Sciences
Classification: Uncertain significance for SMARCA4-related condition. Last evaluated: 2025-04-15. Review status: criteria provided, single submitter. Criteria: ACMG Guidelines, 2015. Collection method: clinical testing. Allele origin: germline.
Comment: The SMARCA4 c.797C>T variant is predicted to result in the amino acid substitution p.Ser266Leu. To our knowledge, this variant has not been reported in the literature. This variant is reported in 0.016% of alleles in individuals of African descent in gnomAD. Although we suspect that this variant may be benign, at this time, the clinical significance of this variant is uncertain due to the absence of conclusive functional and genetic evidence.

Baylor Genetics
Classification: Uncertain significance for Rhabdoid tumor predisposition syndrome 2. Last evaluated: 2024-01-22. Review status: criteria provided, single submitter. Criteria: ACMG Guidelines, 2015. Collection method: clinical testing. Allele origin: unknown.

Ambry Genetics
Classification: Likely benign for Hereditary cancer-predisposing syndrome. Last evaluated: 2023-11-02. Review status: criteria provided, single submitter. Criteria: Ambry Variant Classification Scheme 2023. Collection method: clinical testing. Allele origin: germline.

Sema4
Classification: Uncertain significance for Hereditary cancer-predisposing syndrome. Last evaluated: 2021-10-05. Review status: criteria provided, single submitter. Criteria: Sema4 Curation Guidelines. Collection method: curation. Allele origin: germline.
Comment: To the best of our knowledge, the SMARCA4 c.797C>T (p.S266L) variant has not been reported in individuals with SMARCA4-related disease as a germline variant. This variant was observed in 4/24872 chromosomes in the African population according to the Genome Aggregation Database (PMID: 32461654), and has been reported in ClinVar (Variation ID: 238521). Functional studies have not been performed, and in silico predictions of the variant's effect on protein function are inconclusive. Based on the current evidence available, this variant is interpreted as a variant of uncertain significance.

Genome-Nilou Lab
Classification: Uncertain significance for Intellectual disability, autosomal dominant 16. Last evaluated: 2021-07-15. Review status: criteria provided, single submitter. Criteria: ACMG Guidelines, 2015. Collection method: clinical testing. Allele origin: germline. Affected: no.

Literature cited by the submitters: PubMed 39126233 (cited by Labcorp Genetics (formerly Invitae), Labcorp).

NM_003072.5(SMARCA4):c.797C>T (p.Ser266Leu)

Gene: SMARCA4 (SWI/SNF related BAF chromatin remodeling complex subunit ATPase 4; plus strand). Cytogenetic location: 19p13.2.
Variant type: single nucleotide variant.
Coding change: c.797C>T on transcript NM_003072.5 (MANE Select); coding-DNA position 797, C replaced by T.
Protein change: p.Ser266Leu; replaces serine 266 with leucine.
Molecular consequence: missense variant. On other transcripts: non-coding transcript variant (1).
Genome position (GRCh38, 1-based): chr19:10,986,941, C>T. VCF-style: chr19-10986941-C-T. GRCh37 (hg19) VCF-style: chr19-11097617-C-T.
Other names: c.797C>T, p.Ser266Leu (NM_001128844.3, NM_001128845.2, NM_001128846.2 and 5 more transcripts); short protein forms S266L.
Identifiers: ClinVar variation 238521 (VCV000238521.20), dbSNP rs371045201, ClinGen allele CA9203582.